The following is an entry in ClinVar:

NM_000466.3(PEX1):c.1043_1046del (p.Thr348fs)

Gene: PEX1 (peroxisomal biogenesis factor 1; minus strand). Cytogenetic location: 7q21.2.
Variant type: Deletion.
Coding change: c.1043_1046del on transcript NM_000466.3 (MANE Select); coding-DNA positions 1043 to 1046, 4 bases deleted (CAAA; older notation c.1043_1046delCAAA).
Protein change: p.Thr348fs; shifts the reading frame from threonine 348.
Molecular consequence: frameshift variant.
Genome position (GRCh38, 1-based): chr7:92,517,469-92,517,472, TTTG deleted on the plus strand (CAAA on the coding strand, the reverse complement: PEX1 is on the minus strand); deleting any 4 consecutive bases within chr7:92,517,469-92,517,475 gives the same sequence; the c. name uses the placement nearest the transcript's 3' end. VCF-style (leftmost placement, unchanged base first): chr7-92517468-TTTTG-T. GRCh37 (hg19) VCF-style: chr7-92146782-TTTTG-T.
Other names: c.1043_1046del, p.Thr348fs (NM_001282677.2); c.419_422del, p.Thr140fs (NM_001282678.2); short protein forms T140fs, T348fs.
Identifiers: ClinVar variation 3594944 (VCV003594944.2).

ClinVar aggregate classification (germline): Pathogenic/Likely pathogenic. Review status: criteria provided, multiple submitters, no conflicts (2 of 4 stars). 2 submissions from 2 submitters: Pathogenic (1); Likely pathogenic (1). Last evaluated 2024-11-13.

Conditions:
Heimler syndrome 1 (HMLR1). Also called: PEROXISOME BIOGENESIS DISORDER 1C. Identifiers: Orphanet 3220, MedGen C4551980, OMIM 234580, MONDO:0024544.
Peroxisome biogenesis disorder 1A (Zellweger) (PBD1A). Also called: Zellweger leukodystrophy; Peroxisome biogenesis disorder 1a. Identifiers: MedGen C4721541, MONDO:0008953, OMIM 214100.
Peroxisome biogenesis disorder 1B (PBD1B). Also called: Refsum disease, infantile form; Infantile Refsum disease; Infantile form of phytanic acid storage disease; PEROXISOME BIOGENESIS DISORDER (NEONATAL ADRENOLEUKODYSTROPHY/INFANTILE REFSUM DISEASE); INFANTILE PHYTANIC ACID STORAGE DISEASE; PEROXISOME BIOGENESIS DISORDER (NALD/IRD). Identifiers: Orphanet 44, MedGen C0282527, MONDO:0011101, OMIM 601539.
Peroxisome biogenesis disorder. Identifiers: Orphanet 79189, MedGen C1832200, MONDO:0019234. Disease mechanism: loss of function.

Submissions (2):

Myriad Genetics, Inc.
Classification: Pathogenic for Peroxisome biogenesis disorder. Last evaluated: 2024-11-13. Review status: criteria provided, single submitter. Criteria: Myriad Autosomal Dominant, Autosomal Recessive and X-Linked Classification Criteria (2023). Collection method: clinical testing. Allele origin: unknown.
Comment: NM_000466.2(PEX1):c.1043_1046delCAAA(T348Nfs*17) is expected to be pathogenic in the context of peroxisome biogenesis disorder type 1. This variant is predicted to lead to an abnormal or absent protein product due to the creation of a premature termination codon in PEX1, a gene where loss-of-function variants are known to be pathogenic. Please note: this variant was assessed in the context of healthy population screening.

Fulgent Genetics
Classification: Likely pathogenic for Peroxisome biogenesis disorder 1A (Zellweger); Heimler syndrome 1; Peroxisome biogenesis disorder 1B. Last evaluated: 2024-06-18. Review status: criteria provided, single submitter. Criteria: ACMG Guidelines, 2015. Collection method: clinical testing. Allele origin: germline.